The following is an entry in ClinVar:

ClinVar aggregate classification (germline): Uncertain significance (1 of 4 stars; one submission).

Conditions:
Autosomal recessive osteopetrosis 1. Also called: ALBERS-SCHONBERG DISEASE, AUTOSOMAL RECESSIVE; TCIRG1-Related Osteopetrosis; TCIRG1-Related Autosomal Recessive Osteopetrosis. Identifiers: Orphanet 667, MedGen C1850127, MONDO:0009815, OMIM 259700.

Submission:

3billion
Classification: Uncertain significance for Autosomal recessive osteopetrosis 1. Last evaluated: 2022-05-22. Review status: criteria provided, single submitter. Criteria: ACMG Guidelines, 2015. Collection method: clinical testing. Allele origin: germline. Affected: yes. Observed: 1 heterozygote.
Comment: The variant is not observed in the gnomAD v2.1.1 dataset. Inframe insertion located in a nonrepeat region: predicted to change the length of the protein and disrupt normal protein function. Therefore, this variant is classified as uncertain significanceaccording to the recommendation of ACMG/AMP guideline.

NM_006019.4(TCIRG1):c.2408_2410dup (p.Leu803dup)

Gene: TCIRG1 (T cell immune regulator 1, ATPase H+ transporting V0 subunit a3; plus strand). Cytogenetic location: 11q13.2.
Variant type: Duplication.
Coding change: c.2408_2410dup on transcript NM_006019.4 (MANE Select); coding-DNA positions 2408 to 2410, 3 bases duplicated (TGC; older notation c.2408_2410dupTGC).
Protein change: p.Leu803dup; duplicates leucine 803.
Molecular consequence: inframe insertion.
Genome position (GRCh38, 1-based): chr11:68,050,658-68,050,660, TGC duplicated; duplicating any 3 consecutive bases within chr11:68,050,656-68,050,660 gives the same sequence; the c. name uses the placement nearest the transcript's 3' end. VCF-style (leftmost placement, unchanged base first): chr11-68050655-G-GGCT. GRCh37 (hg19) VCF-style: chr11-67818122-G-GGCT.
Other names: c.1514_1516dup, p.Leu505dup (NM_001351059.2); c.1760_1762dup, p.Leu587dup (NM_006053.4).
Identifiers: ClinVar variation 1687216 (VCV001687216.1), dbSNP rs2134466694, ClinGen allele CA2573147516.